The following is an entry in ClinVar:

NM_001041.4(SI):c.3854T>C (p.Ile1285Thr)

Gene: SI (sucrase-isomaltase; minus strand). Cytogenetic location: 3q26.1.
Variant type: single nucleotide variant.
Coding change: c.3854T>C on transcript NM_001041.4 (MANE Select); coding-DNA position 3854, T replaced by C.
Protein change: p.Ile1285Thr; replaces isoleucine 1285 with threonine.
Molecular consequence: missense variant.
Genome position (GRCh38, 1-based): chr3:165,015,986, A>G on the plus strand (T>C on the coding strand, the complement: SI is on the minus strand). VCF-style: chr3-165015986-A-G. GRCh37 (hg19) VCF-style: chr3-164733774-A-G.
Other names: short protein forms I1285T.
Identifiers: ClinVar variation 1482783 (VCV001482783.7), dbSNP rs375443860, ClinGen allele CA2690121.
Genomic context (GRCh38, chr3:165,015,986, plus strand): 5'-GACTCAGGTAAACTCCAAGTACTGACCAGGATAATAATGTATCTCATTCCTTCTCCTCTT[A>G]TTTTGTCAACAAACTGAGGAAGGTCCTGGAATGCTTCACCAATTGTAAAGTCTAGCTGCC-3'
Protein context (NP_001032.2, residues 1275-1295): FQDLPQFVDK[Ile1285Thr]RGEGMRYIII

ClinVar aggregate classification (germline): Uncertain significance. Review status: criteria provided, multiple submitters, no conflicts (2 of 4 stars). 3 submissions from 3 submitters: Uncertain significance (3). Last evaluated 2024-08-22.

Conditions:
Sucrase-isomaltase deficiency (CSID). Also called: SI DEFICIENCY; Congenital sucrose isomaltose malabsorption; Sucrose isomaltose enzyme deficiency; Deficiency of isomaltase. Identifiers: Orphanet 35122, MedGen C1283620, MONDO:0009114, OMIM 222900.

Allele frequency attached by ClinVar (database versions not stated): TOPMed 0.00012; ExAC 0.00015; gnomAD exomes 0.00015 and 0.00028; gnomAD 0.00016 and 0.00018; ESP Exome Variant Server 0.00023.
gnomAD v4.1: 435 of 1,611,256 alleles (0.027%); highest among the groups gnomAD compares: Non-Finnish European, 0.033%; no homozygotes.

Submissions (3):

Blueprint Genetics
Classification: Uncertain significance. Last evaluated: 2024-08-22. Review status: criteria provided, single submitter. Criteria: ACMG Guidelines, 2015. Collection method: clinical testing. Allele origin: germline.

Fulgent Genetics
Classification: Uncertain significance for Sucrase-isomaltase deficiency. Last evaluated: 2024-01-05. Review status: criteria provided, single submitter. Criteria: ACMG Guidelines, 2015. Collection method: clinical testing. Allele origin: germline.

Labcorp Genetics (formerly Invitae), Labcorp
Classification: Uncertain significance. Last evaluated: 2023-10-29. Review status: criteria provided, single submitter. Criteria: Invitae Variant Classification Sherloc (09022015). Collection method: clinical testing. Allele origin: germline.
Comment: This sequence change replaces isoleucine, which is neutral and non-polar, with threonine, which is neutral and polar, at codon 1285 of the SI protein (p.Ile1285Thr). This variant is present in population databases (rs375443860, gnomAD 0.02%). This missense change has been observed in individual(s) with clinical features of SI-related conditions (PMID: 32732636). ClinVar contains an entry for this variant (Variation ID: 1482783). Advanced modeling of protein sequence and biophysical properties (such as structural, functional, and spatial information, amino acid conservation, physicochemical variation, residue mobility, and thermodynamic stability) has been performed at Invitae for this missense variant, however the output from this modeling did not meet the statistical confidence thresholds required to predict the impact of this variant on SI protein function. In summary, the available evidence is currently insufficient to determine the role of this variant in disease. Therefore, it has been classified as a Variant of Uncertain Significance.

Literature cited by the submitters: PubMed 32732636 (cited by Labcorp Genetics (formerly Invitae), Labcorp).